The following is an entry in ClinVar:

ClinVar aggregate classification (germline): Likely benign (0 of 4 stars; one submission).

Conditions:
KSR2-related disorder. Also called: KSR2-related condition.

gnomAD v4.1: 17 of 1,613,734 alleles (0.0011%); highest among the groups gnomAD compares: African/African-American, 0.0027%; no homozygotes.

Submission:

PreventionGenetics, part of Exact Sciences
Classification: Likely benign for KSR2-related condition. Last evaluated: 2024-09-01. Review status: no assertion criteria provided. Collection method: clinical testing. Allele origin: germline.
Comment: This variant is classified as likely benign based on ACMG/AMP sequence variant interpretation guidelines (Richards et al. 2015 PMID: 25741868, with internal and published modifications).

NM_173598.6(KSR2):c.2154G>C (p.Arg718=)

Gene: KSR2 (kinase suppressor of ras 2; minus strand). Cytogenetic location: 12q24.22.
Variant type: single nucleotide variant.
Coding change: c.2154G>C on transcript NM_173598.6 (MANE Select); coding-DNA position 2154, G replaced by C.
Protein change: p.Arg718=; no amino-acid change (arginine 718 retained).
Molecular consequence: synonymous variant.
Genome position (GRCh38, 1-based): chr12:117,524,917, C>G on the plus strand (G>C on the coding strand, the complement: KSR2 is on the minus strand). VCF-style: chr12-117524917-C-G. GRCh37 (hg19) VCF-style: chr12-117962722-C-G.
Identifiers: ClinVar variation 3358067 (VCV003358067.1).